The following is an entry in ClinVar:

NM_005392.4(PHF2):c.399C>T (p.Asp133=)

Gene: PHF2 (PHD finger protein 2; plus strand). Cytogenetic location: 9q22.31.
Variant type: single nucleotide variant.
Coding change: c.399C>T on transcript NM_005392.4 (MANE Select); coding-DNA position 399, C replaced by T.
Protein change: p.Asp133=; no amino-acid change (aspartic acid 133 retained).
Molecular consequence: synonymous variant.
Genome position (GRCh38, 1-based): chr9:93,645,728, C>T. VCF-style: chr9-93645728-C-T. GRCh37 (hg19) VCF-style: chr9-96408010-C-T.
Identifiers: ClinVar variation 3041334 (VCV003041334.2), dbSNP rs138199711, ClinGen allele CA5132380.

ClinVar aggregate classification (germline): Likely benign (0 of 4 stars; one submission).

Conditions:
PHF2-related disorder. Also called: PHF2-related condition.

Allele frequency attached by ClinVar (database versions not stated): TOPMed 0.00008; ExAC 0.00019; gnomAD exomes 0.00022; ESP Exome Variant Server 0.00023; gnomAD 0.00031.
gnomAD v4.1: 365 of 1,611,892 alleles (0.023%); highest among the groups gnomAD compares: South Asian, 0.074%; 1 homozygote.

Submission:

PreventionGenetics, part of Exact Sciences
Classification: Likely benign for PHF2-related condition. Last evaluated: 2019-05-08. Review status: no assertion criteria provided. Collection method: clinical testing. Allele origin: germline.
Comment: This variant is classified as likely benign based on ACMG/AMP sequence variant interpretation guidelines (Richards et al. 2015 PMID: 25741868, with internal and published modifications).